The following is an entry in ClinVar:

ClinVar aggregate classification (germline): Uncertain significance (1 of 4 stars; one submission).

Conditions:
Familial adenomatous polyposis 1 (FAP1). Also called: FAMILIAL ADENOMATOUS POLYPOSIS 1, ATTENUATED; POLYPOSIS, ADENOMATOUS INTESTINAL. Identifiers: MedGen C2713442, MONDO:0021056, OMIM 175100. Disease mechanism: loss of function.

Submission:

Labcorp Genetics (formerly Invitae), Labcorp
Classification: Uncertain significance for Familial adenomatous polyposis 1. Last evaluated: 2024-04-22. Review status: criteria provided, single submitter. Criteria: Invitae Variant Classification Sherloc (09022015). Collection method: clinical testing. Allele origin: germline.
Comment: This sequence change replaces tyrosine, which is neutral and polar, with histidine, which is basic and polar, at codon 159 of the APC protein (p.Tyr159His). This variant is not present in population databases (gnomAD no frequency). This variant has not been reported in the literature in individuals affected with APC-related conditions. ClinVar contains an entry for this variant (Variation ID: 1466585). Advanced modeling of protein sequence and biophysical properties (such as structural, functional, and spatial information, amino acid conservation, physicochemical variation, residue mobility, and thermodynamic stability) performed at Invitae indicates that this missense variant is not expected to disrupt APC protein function with a negative predictive value of 95%. In summary, the available evidence is currently insufficient to determine the role of this variant in disease. Therefore, it has been classified as a Variant of Uncertain Significance.

NM_000038.6(APC):c.475T>C (p.Tyr159His)

Gene: APC (APC regulator of Wnt signaling pathway; plus strand). Cytogenetic location: 5q22.2.
Variant type: single nucleotide variant.
Coding change: c.475T>C on transcript NM_000038.6 (MANE Select); coding-DNA position 475, T replaced by C.
Protein change: p.Tyr159His; replaces tyrosine 159 with histidine.
Molecular consequence: missense variant. On other transcripts: 5 prime UTR variant (1).
Genome position (GRCh38, 1-based): chr5:112,775,681, T>C. VCF-style: chr5-112775681-T-C. GRCh37 (hg19) VCF-style: chr5-112111378-T-C.
Other names: c.475T>C, p.Tyr159His (NM_001127510.3, NM_001354895.2, NM_001354896.2 and 2 more transcripts); c.505T>C, p.Tyr169His (NM_001127511.3, NM_001354897.2, NM_001354902.2); c.400T>C, p.Tyr134His (NM_001354898.2, NM_001354904.2); c.298T>C, p.Tyr100His (NM_001354900.2, NM_001354901.2, NM_001354905.2); c.-561T>C (NM_001354906.2); short protein forms Y100H, Y169H, Y134H, Y159H.
Identifiers: ClinVar variation 1466585 (VCV001466585.8), dbSNP rs2149615279, ClinGen allele CA16022362.